The following is an entry in ClinVar:

ClinVar aggregate classification (germline): Pathogenic (3 of 4 stars; one submission).

Conditions:
Breast-ovarian cancer, familial, susceptibility to, 2 (BROVCA2). Also called: BRCA2 Hereditary Breast and Ovarian Cancer. Identifiers: Orphanet 145, MedGen C2675520, MONDO:0012933, OMIM 612555. Disease mechanism: loss of function.

Submission:

Evidence-based Network for the Interpretation of Germline Mutant Alleles (ENIGMA)
Classification: Pathogenic for Breast-ovarian cancer, familial, susceptibility to, 2. Last evaluated: 2017-12-15. Review status: reviewed by expert panel. Criteria: ENIGMA BRCA1/2 Classification Criteria (2017-06-29). Collection method: curation. Allele origin: germline. Study: ENIGMA.
Comment: Variant allele predicted to encode a truncated non-functional protein.

NM_000059.4(BRCA2):c.3036_3039del (p.Ser1013fs)

Gene: BRCA2 (BRCA2 DNA repair associated; plus strand). Cytogenetic location: 13q13.1.
Variant type: Deletion.
Coding change: c.3036_3039del on transcript NM_000059.4 (MANE Select); coding-DNA positions 3036 to 3039, 4 bases deleted (TTCA; older notation c.3036_3039delTTCA).
Protein change: p.Ser1013fs; shifts the reading frame from serine 1013.
Molecular consequence: frameshift variant.
Genome position (GRCh38, 1-based): chr13:32,337,391-32,337,394, TTCA deleted. VCF-style (leftmost placement, unchanged base first): chr13-32337390-CTTCA-C. GRCh37 (hg19) VCF-style: chr13-32911527-CTTCA-C.
Other names: c.3036_3039delTTCA (NM_000059.3); short protein forms S1013fs.
Identifiers: ClinVar variation 548331 (VCV000548331.1), dbSNP rs1555283011, ClinGen allele CA658823650.